The following is an entry in ClinVar:

ClinVar aggregate classification (germline): Uncertain significance (1 of 4 stars; one submission).

Conditions:
Pyridoxal phosphate-responsive seizures (PNPOD). Also called: Pyridoxal 5'-Phosphate (PLP)-Dependent Epilepsy; EPILEPTIC ENCEPHALOPATHY, NEONATAL, PNPO-RELATED; Pyridoxamine 5-Prime-Phosphate Oxidase Deficiency; SEIZURES, PYRIDOXINE-RESISTANT, PLP-SENSITIVE; Pyridoxine-5'-phosphate oxidase deficiency. Identifiers: Orphanet 79096, MedGen C1864723, MONDO:0012407, OMIM 610090. Disease mechanism: loss of function.

Allele frequency attached by ClinVar (database versions not stated): gnomAD 0.00001.
gnomAD v4.1: 1 of 1,613,884 alleles (0.000062%); highest among the groups gnomAD compares: African/African-American, 0.0013%; no homozygotes.

Submission:

Labcorp Genetics (formerly Invitae), Labcorp
Classification: Uncertain significance for Pyridoxal phosphate-responsive seizures. Last evaluated: 2024-06-12. Review status: criteria provided, single submitter. Criteria: Invitae Variant Classification Sherloc (09022015). Collection method: clinical testing. Allele origin: germline.
Comment: This sequence change replaces proline, which is neutral and non-polar, with serine, which is neutral and polar, at codon 162 of the PNPO protein (p.Pro162Ser). This variant is not present in population databases (gnomAD no frequency). This variant has not been reported in the literature in individuals affected with PNPO-related conditions. ClinVar contains an entry for this variant (Variation ID: 939002). Advanced modeling of protein sequence and biophysical properties (such as structural, functional, and spatial information, amino acid conservation, physicochemical variation, residue mobility, and thermodynamic stability) performed at Invitae indicates that this missense variant is not expected to disrupt PNPO protein function with a negative predictive value of 80%. In summary, the available evidence is currently insufficient to determine the role of this variant in disease. Therefore, it has been classified as a Variant of Uncertain Significance.

NM_018129.4(PNPO):c.484C>T (p.Pro162Ser)

Gene: PNPO (pyridoxamine 5'-phosphate oxidase; plus strand). Cytogenetic location: 17q21.32.
Variant type: single nucleotide variant.
Coding change: c.484C>T on transcript NM_018129.4 (MANE Select); coding-DNA position 484, C replaced by T.
Protein change: p.Pro162Ser; replaces proline 162 with serine.
Molecular consequence: missense variant.
Genome position (GRCh38, 1-based): chr17:47,945,927, C>T. VCF-style: chr17-47945927-C-T. GRCh37 (hg19) VCF-style: chr17-46023293-C-T.
Other names: short protein forms P162S.
Identifiers: ClinVar variation 939002 (VCV000939002.9), dbSNP rs2036001365, ClinGen allele CA400059024.